The following is an entry in ClinVar:

ClinVar aggregate classification (germline): Uncertain significance. Review status: criteria provided, multiple submitters, no conflicts (2 of 4 stars). 2 submissions from 2 submitters: Uncertain significance (2). Last evaluated 2024-11-27.

Submissions (2):

Ambry Genetics
Classification: Uncertain significance. Last evaluated: 2024-11-27. Review status: criteria provided, single submitter. Criteria: Ambry Variant Classification Scheme 2023. Collection method: clinical testing. Allele origin: germline.

Labcorp Genetics (formerly Invitae), Labcorp
Classification: Uncertain significance. Last evaluated: 2023-06-14. Review status: criteria provided, single submitter. Criteria: Invitae Variant Classification Sherloc (09022015). Collection method: clinical testing. Allele origin: germline.
Comment: In summary, the available evidence is currently insufficient to determine the role of this variant in disease. Therefore, it has been classified as a Variant of Uncertain Significance. An algorithm developed to predict the effect of missense changes on protein structure and function (PolyPhen-2) suggests that this variant is likely to be tolerated. This variant has not been reported in the literature in individuals affected with IL18BP-related conditions. This variant is not present in population databases (gnomAD no frequency). This sequence change replaces arginine, which is basic and polar, with leucine, which is neutral and non-polar, at codon 91 of the IL18BP protein (p.Arg91Leu).

NM_001039660.2(IL18BP):c.272G>T (p.Arg91Leu)

Gene: IL18BP (interleukin 18 binding protein; plus strand). Cytogenetic location: 11q13.4.
Variant type: single nucleotide variant.
Coding change: c.272G>T on transcript NM_001039660.2 (MANE Select); coding-DNA position 272, G replaced by T.
Protein change: p.Arg91Leu; replaces arginine 91 with leucine.
Molecular consequence: missense variant. On other transcripts: intron variant (1).
Genome position (GRCh38, 1-based): chr11:72,001,237, G>T. VCF-style: chr11-72001237-G-T. GRCh37 (hg19) VCF-style: chr11-71712283-G-T.
Other names: c.272G>T, p.Arg91Leu (NM_001039659.2, NM_001145057.1, NM_005699.3 and 2 more transcripts); c.236-547G>T (NM_001145055.1); short protein forms R91L.
Identifiers: ClinVar variation 2900367 (VCV002900367.4), dbSNP rs5743672, ClinGen allele CA381721733.